The following is an entry in ClinVar:

NM_001250.6(CD40):c.33G>A (p.Trp11Ter)

Genes: CD40 (CD40 molecule; plus strand), LOC127893450 (CRISPRi-FlowFISH-validated CD40 regulatory element GRCh37_chr20:44746135-44748232; plus strand). Cytogenetic location: 20q13.12.
Variant type: single nucleotide variant.
Coding change: c.33G>A on transcript NM_001250.6 (MANE Select); coding-DNA position 33, G replaced by A.
Protein change: p.Trp11Ter; replaces tryptophan 11 with a stop codon.
Molecular consequence: nonsense. On other transcripts: non-coding transcript variant (2).
Genome position (GRCh38, 1-based): chr20:46,118,376, G>A. VCF-style: chr20-46118376-G-A. GRCh37 (hg19) VCF-style: chr20-44747015-G-A.
Other names: c.33G>A, p.Trp11Ter (NM_001302753.2, NM_001322421.2, NM_001322422.2 and 2 more transcripts); short protein forms W11*.
Identifiers: ClinVar variation 2032027 (VCV002032027.4), dbSNP rs1211645093, ClinGen allele CA409200600.
Genomic context (GRCh38, chr20:46,118,376, plus strand): 5'-TGGTCCTGCCGCCTGGTCTCACCTCGCTATGGTTCGTCTGCCTCTGCAGTGCGTCCTCTG[G>A]GGCTGCTTGCTGACCGCTGTGAGTTGTTTTTGCCCCGACCAGACGGGAGTTGGGAGTGGG-3'

ClinVar aggregate classification (germline): Pathogenic (1 of 4 stars; one submission).

Allele frequency attached by ClinVar (database versions not stated): TOPMed below 0.00001; gnomAD 0.00001.
gnomAD v4.1: 1 of 1,614,016 alleles (0.000062%); highest among the groups gnomAD compares: Non-Finnish European, 0.000085%; no homozygotes.

Submission:

Labcorp Genetics (formerly Invitae), Labcorp
Classification: Pathogenic. Last evaluated: 2023-07-21. Review status: criteria provided, single submitter. Criteria: Invitae Variant Classification Sherloc (09022015). Collection method: clinical testing. Allele origin: germline.
Comment: ClinVar contains an entry for this variant (Variation ID: 2032027). For these reasons, this variant has been classified as Pathogenic. This variant has not been reported in the literature in individuals affected with CD40-related conditions. This variant is not present in population databases (gnomAD no frequency). This sequence change creates a premature translational stop signal (p.Trp11*) in the CD40 gene. It is expected to result in an absent or disrupted protein product. Loss-of-function variants in CD40 are known to be pathogenic (PMID: 20702779, 24122029, 35729272).

Literature cited by the submitters: PubMed 20702779; PubMed 24122029; PubMed 35729272.